The following is an entry in ClinVar:

NM_017617.5(NOTCH1):c.2333C>T (p.Thr778Ile)

Gene: NOTCH1 (notch receptor 1; minus strand). Cytogenetic location: 9q34.3.
Variant type: single nucleotide variant.
Coding change: c.2333C>T on transcript NM_017617.5 (MANE Select); coding-DNA position 2333, C replaced by T.
Protein change: p.Thr778Ile; replaces threonine 778 with isoleucine.
Molecular consequence: missense variant.
Genome position (GRCh38, 1-based): chr9:136,513,412, G>A on the plus strand (C>T on the coding strand, the complement: NOTCH1 is on the minus strand). VCF-style: chr9-136513412-G-A. GRCh37 (hg19) VCF-style: chr9-139407864-G-A.
Other names: c.2333C>T (NM_017617.3); short protein forms T778I.
Identifiers: ClinVar variation 2735377 (VCV002735377.4), dbSNP rs765822790, ClinGen allele CA5341413.

ClinVar aggregate classification (germline): Conflicting classifications of pathogenicity. Review status: criteria provided, conflicting classifications (1 of 4 stars). 2 submissions from 2 submitters: Uncertain significance (1); Likely benign (1). Last evaluated 2025-12-04.

Conditions:
Adams-Oliver syndrome 5 (AOS5). Identifiers: Orphanet 974, MedGen C4014970, MONDO:0014459, OMIM 616028.
Familial thoracic aortic aneurysm and aortic dissection (TAAD). Also called: Thoracic aortic aneurysms and dissections. Identifiers: Orphanet 91387, MedGen C4707243, MONDO:0019625.

Allele frequency attached by ClinVar (database versions not stated): gnomAD exomes below 0.00001; TOPMed below 0.00001; ExAC 0.00001; gnomAD 0.00001.
gnomAD v4.1: 8 of 1,612,794 alleles (0.0005%); highest among the groups gnomAD compares: Admixed American, 0.0033%; no homozygotes.

Submissions (2):

Ambry Genetics
Classification: Uncertain significance for Familial thoracic aortic aneurysm and aortic dissection. Last evaluated: 2025-12-04. Review status: criteria provided, single submitter. Criteria: Ambry Variant Classification Scheme 2023. Collection method: clinical testing. Allele origin: germline.
Comment: The p.T778I variant (also known as c.2333C>T), located in coding exon 14 of the NOTCH1 gene, results from a C to T substitution at nucleotide position 2333. The threonine at codon 778 is replaced by isoleucine, an amino acid with similar properties. This amino acid position is well conserved in available vertebrate species. In addition, the in silico prediction for this alteration is inconclusive. Based on the available evidence, the clinical significance of this variant remains unclear.

Labcorp Genetics (formerly Invitae), Labcorp
Classification: Likely benign for Adams-Oliver syndrome 5. Last evaluated: 2025-05-19. Review status: criteria provided, single submitter. Criteria: Invitae Variant Classification Sherloc (09022015). Collection method: clinical testing. Allele origin: germline.